The following is an entry in ClinVar:

NM_000350.3(ABCA4):c.6495T>C (p.Tyr2165=)

Gene: ABCA4 (ATP binding cassette subfamily A member 4; minus strand). Cytogenetic location: 1p22.1.
Variant type: single nucleotide variant.
Coding change: c.6495T>C on transcript NM_000350.3 (MANE Select); coding-DNA position 6495, T replaced by C.
Protein change: p.Tyr2165=; no amino-acid change (tyrosine 2165 retained).
Molecular consequence: synonymous variant.
Genome position (GRCh38, 1-based): chr1:93,998,095, A>G on the plus strand (T>C on the coding strand, the complement: ABCA4 is on the minus strand). VCF-style: chr1-93998095-A-G. GRCh37 (hg19) VCF-style: chr1-94463651-A-G.
Other names: NM_000350.3(ABCA4):c.6495T>C; p.Tyr2165=; c.6273T>C, p.Tyr2091= (NM_001425324.1).
Identifiers: ClinVar variation 798853 (VCV000798853.11), dbSNP rs200106061, ClinGen allele CA956855.

ClinVar aggregate classification (germline): Likely benign. Review status: reviewed by expert panel (3 of 4 stars). 3 submissions from 3 submitters: Likely benign (1). 2 of the submissions do not count toward it. Last evaluated 2026-04-28.

Conditions:
ABCA4-related retinopathy. Also called: ABCA4 retinoapthy; ABCA4-related retinoapthy. Identifiers: MedGen CN322612, MONDO:0800406.

Allele frequency attached by ClinVar (database versions not stated): gnomAD 0.00001 and 0.00003; gnomAD exomes 0.00001 and 0.00006; TOPMed 0.00003; ExAC 0.00008; 1000 Genomes Project 30x 0.00016; 1000 Genomes Project 0.00020.
gnomAD v4.1: 20 of 1,614,220 alleles (0.0012%); highest among the groups gnomAD compares: East Asian, 0.031%; no homozygotes.

Submissions (3):

ClinGen ABCA4 Variant Curation Expert Panel, Clingen
Classification: Likely benign for ABCA4-related retinopathy. Last evaluated: 2026-04-28. Review status: reviewed by expert panel. Criteria: ClinGen ABCA4 ACMG Specifications V1.0.0. Collection method: curation. Allele origin: germline. Inheritance: Autosomal recessive inheritance.
Comment: The NM_000350.3:c.6495T>C (p.Tyr2165=) variant in ABC4A is a synonymous variant. The computational splicing predictor SpliceAI gives this synonymous (silent) variant a delta score of 0 which is below the ClinGen ABCA4 VCEP threshold of <0.1 and does not strongly predict a splicing defect meeting BP7_Moderate. The c.6495T>C variant is found at an extremely low frequency in the population with a total minor allele frequency of 0.00001239 (20/1614220 alleles) in gnomAD v4.1.0 (PM2_Supporting). To our knowledge, there are no known conflicting minigene or other functional data or clinical cases available. In summary, this variant meets the criteria to be classified as likely benign ACMG/AMP criteria applied, as specified by the ClinGen ABCA4 Variant Curation Expert Panel: PM2_Supporting, BP7_Moderate.

Labcorp Genetics (formerly Invitae), Labcorp
Classification: Benign. Last evaluated: 2025-10-10. Review status: criteria provided, single submitter. Criteria: Invitae Variant Classification Sherloc (09022015). Collection method: clinical testing. Allele origin: germline. Not counted in ClinVar's aggregate classification.

Blueprint Genetics
Classification: Likely benign. Last evaluated: 2024-10-09. Review status: criteria provided, single submitter. Criteria: ACMG Guidelines, 2015. Collection method: clinical testing. Allele origin: germline. Not counted in ClinVar's aggregate classification.